The following is an entry in ClinVar:

ClinVar aggregate classification (germline): Uncertain significance. Review status: criteria provided, multiple submitters, no conflicts (2 of 4 stars). 2 submissions from 2 submitters: Uncertain significance (2). Last evaluated 2023-06-26.

Conditions:
PKD1-related disorder. Also called: PKD1-related condition.

Submissions (2):

PreventionGenetics, part of Exact Sciences
Classification: Uncertain significance for PKD1-related condition. Last evaluated: 2023-06-26. Review status: criteria provided, single submitter. Criteria: ACMG Guidelines, 2015. Collection method: clinical testing. Allele origin: germline.
Comment: The PKD1 c.296G>T variant is predicted to result in the amino acid substitution p.Ser99Ile. This variant was reported in the compound heterozygous state along with the PKD1 c.3725C>T (p.Thr1242Met) variant in an individual with autosomal dominant polycystic kidney disease (Table S6, Patient ID: P7, Tan et al. 2009. PubMed ID: 18837007). This variant has not been reported in a large population database, indicating this variant is rare. At this time, the clinical significance of this variant is uncertain due to the absence of conclusive functional and genetic evidence.

Blueprint Genetics
Classification: Uncertain significance. Last evaluated: 2018-12-04. Review status: criteria provided, single submitter. Criteria: ACMG Guidelines, 2015. Collection method: clinical testing. Allele origin: germline.

NM_001009944.3(PKD1):c.296G>T (p.Ser99Ile)

Gene: PKD1 (polycystin 1, transient receptor potential channel interacting; minus strand). Cytogenetic location: 16p13.3.
Variant type: single nucleotide variant.
Coding change: c.296G>T on transcript NM_001009944.3 (MANE Select); coding-DNA position 296, G replaced by T.
Protein change: p.Ser99Ile; replaces serine 99 with isoleucine.
Molecular consequence: missense variant.
Genome position (GRCh38, 1-based): chr16:2,119,177, C>A on the plus strand (G>T on the coding strand, the complement: PKD1 is on the minus strand). VCF-style: chr16-2119177-C-A. GRCh37 (hg19) VCF-style: chr16-2169178-C-A.
Other names: c.296G>T, p.Ser99Ile (NM_000296.4); short protein forms S99I.
Identifiers: ClinVar variation 636891 (VCV000636891.3), dbSNP rs1567219544, ClinGen allele CA394396049.